The following is an entry in ClinVar:

ClinVar aggregate classification (germline): Uncertain significance (1 of 4 stars; one submission).

Submission:

GeneDx
Classification: Uncertain significance. Last evaluated: 2019-06-24. Review status: criteria provided, single submitter. Criteria: GeneDx Variant Classification Process June 2021. Collection method: clinical testing. Allele origin: germline. Affected: yes.
Comment: Has not been previously published as pathogenic or benign to our knowledge; Not observed in large population cohorts (Lek et al., 2016); In silico analysis, which includes protein predictors and evolutionary conservation, supports a deleterious effect

NM_001458.5(FLNC):c.1727C>A (p.Ala576Asp)

Gene: FLNC (filamin C; plus strand). Cytogenetic location: 7q32.1.
Variant type: single nucleotide variant.
Coding change: c.1727C>A on transcript NM_001458.5 (MANE Select); coding-DNA position 1727, C replaced by A.
Protein change: p.Ala576Asp; replaces alanine 576 with aspartic acid.
Molecular consequence: missense variant.
Genome position (GRCh38, 1-based): chr7:128,840,884, C>A. VCF-style: chr7-128840884-C-A. GRCh37 (hg19) VCF-style: chr7-128480938-C-A.
Other names: c.1727C>A, p.Ala576Asp (NM_001127487.2); short protein forms A576D.
Identifiers: ClinVar variation 1306617 (VCV001306617.2), dbSNP rs2128935121, ClinGen allele CA369226945.